The following is an entry in ClinVar:

ClinVar aggregate classification (germline): Likely benign (1 of 4 stars; one submission).

gnomAD v4.1: 1 of 1,614,164 alleles (0.000062%); highest among the groups gnomAD compares: Non-Finnish European, 0.000085%; no homozygotes.

Submission:

CeGaT Center for Human Genetics Tuebingen
Classification: Likely benign. Last evaluated: 2024-10-01. Review status: criteria provided, single submitter. Criteria: CeGaT Center For Human Genetics Tuebingen Variant Classification Criteria Version 2. Collection method: clinical testing. Allele origin: germline. Affected: yes. Observed: 1 variant allele.
Comment: FGA: BP4, BP7

NM_021871.4(FGA):c.1089C>A (p.Gly363=)

Gene: FGA (fibrinogen alpha chain; minus strand). Cytogenetic location: 4q31.3.
Variant type: single nucleotide variant.
Coding change: c.1089C>A on transcript NM_021871.4 (MANE Select); coding-DNA position 1089, C replaced by A.
Protein change: p.Gly363=; no amino-acid change (glycine 363 retained).
Molecular consequence: synonymous variant.
Genome position (GRCh38, 1-based): chr4:154,586,340, G>T on the plus strand (C>A on the coding strand, the complement: FGA is on the minus strand). VCF-style: chr4-154586340-G-T. GRCh37 (hg19) VCF-style: chr4-155507492-G-T.
Other names: c.1089C>A, p.Gly363= (NM_000508.5).
Identifiers: ClinVar variation 3389969 (VCV003389969.14).